The following is an entry in ClinVar:

ClinVar aggregate classification (germline): Uncertain significance (1 of 4 stars; one submission).

Conditions:
Loeys-Dietz syndrome 2 (LDS2). Also called: TGFBR2-Related Loeys-Dietz Syndrome; Marfan syndrome, type 2 (formerly); AORTIC ANEURYSM, FAMILIAL THORACIC 3; MARFAN SYNDROME, TYPE II; Marfan Syndrome type 2; Marfan like connective tissue disorder. Identifiers: Orphanet 284973, Orphanet 558, MedGen C2674574, MONDO:0012427, OMIM 610168.

Submission:

Labcorp Genetics (formerly Invitae), Labcorp
Classification: Uncertain significance for Loeys-Dietz syndrome 2. Last evaluated: 2024-01-16. Review status: criteria provided, single submitter. Criteria: Invitae Variant Classification Sherloc (09022015). Collection method: clinical testing. Allele origin: germline.
Comment: This sequence change replaces leucine, which is neutral and non-polar, with glutamine, which is neutral and polar, at codon 162 of the TMPO protein (p.Leu162Gln). This variant is not present in population databases (gnomAD no frequency). This variant has not been reported in the literature in individuals affected with TMPO-related conditions. An algorithm developed to predict the effect of missense changes on protein structure and function (PolyPhen-2) suggests that this variant is likely to be disruptive. In summary, the available evidence is currently insufficient to determine the role of this variant in disease. Therefore, it has been classified as a Variant of Uncertain Significance.

NM_001032283.3(TMPO):c.485T>A (p.Leu162Gln)

Gene: TMPO (thymopoietin; plus strand). Cytogenetic location: 12q23.1.
Variant type: single nucleotide variant.
Coding change: c.485T>A on transcript NM_001032283.3 (MANE Select); coding-DNA position 485, T replaced by A.
Protein change: p.Leu162Gln; replaces leucine 162 with glutamine.
Molecular consequence: missense variant.
Genome position (GRCh38, 1-based): chr12:98,531,758, T>A. VCF-style: chr12-98531758-T-A. GRCh37 (hg19) VCF-style: chr12-98925536-T-A.
Other names: c.485T>A, p.Leu162Gln (NM_001032284.3, NM_001307975.2, NM_003276.2); short protein forms L162Q.
Identifiers: ClinVar variation 2709666 (VCV002709666.3), dbSNP rs2121195897, ClinGen allele CA386151144.
Genomic context (GRCh38, chr12:98,531,758, plus strand): 5'-ATGAGAAAAAGCTTTTGAAACTGAGGGAACAAGGAACAGAATCAAGATCTTCTACTCCTC[T>A]GCCAACAATTTCTTCTTCAGCAGAAAATACAAGGCAGAATGGAAGTAATGATTCTGACAG-3'
Protein context (NP_001027454.1, residues 152-172): QGTESRSSTP[Leu162Gln]PTISSSAENT